The following is an entry in ClinVar:

NM_001127222.2(CACNA1A):c.3329C>A (p.Pro1110His)

Gene: CACNA1A (calcium voltage-gated channel subunit alpha1 A; minus strand). Cytogenetic location: 19p13.13.
Variant type: single nucleotide variant.
Coding change: c.3329C>A on transcript NM_001127222.2 (MANE Select); coding-DNA position 3329, C replaced by A.
Protein change: p.Pro1110His; replaces proline 1110 with histidine.
Molecular consequence: missense variant.
Genome position (GRCh38, 1-based): chr19:13,286,727, G>T on the plus strand (C>A on the coding strand, the complement: CACNA1A is on the minus strand). VCF-style: chr19-13286727-G-T. GRCh37 (hg19) VCF-style: chr19-13397541-G-T.
Other names: c.3341C>A, p.Pro1114His (NM_000068.4, NM_023035.3); c.3332C>A, p.Pro1111His (NM_001127221.2, NM_001174080.2); short protein forms P1110H, P1114H, P1111H.
Identifiers: ClinVar variation 2927796 (VCV002927796.4), dbSNP rs2057408993, ClinGen allele CA404341585.

ClinVar aggregate classification (germline): Uncertain significance. Review status: criteria provided, multiple submitters, no conflicts (2 of 4 stars). 2 submissions from 2 submitters: Uncertain significance (2). Last evaluated 2026-03-18.

Conditions:
Developmental and epileptic encephalopathy, 42 (DEE42A). Also called: DEVELOPMENTAL AND EPILEPTIC ENCEPHALOPATHY 42A; EPILEPTIC ENCEPHALOPATHY, EARLY INFANTILE, 42A; Epileptic encephalopathy, early infantile, 42. Identifiers: MedGen C4310716, MONDO:0014917, OMIM 617106.
Episodic ataxia type 2 (EA2). Also called: ATAXIA, EPISODIC, WITH NYSTAGMUS; ATAXIA, FAMILIAL PAROXYSMAL; CEREBELLAR ATAXIA, PAROXYSMAL, ACETAZOLAMIDE-RESPONSIVE; CEREBELLOPATHY, HEREDITARY PAROXYSMAL; EPISODIC ATAXIA, NYSTAGMUS-ASSOCIATED; ACETAZOLAMIDE-RESPONSIVE HEREDITARY PAROXYSMAL CEREBELLAR ATAXIA. Identifiers: Orphanet 97, MedGen C1720416, MONDO:0007163, OMIM 108500.

Allele frequency attached by ClinVar (database versions not stated): gnomAD exomes below 0.00001; gnomAD 0.00001.
gnomAD v4.1: 3 of 1,599,926 alleles (0.00019%); highest among the groups gnomAD compares: African/African-American, 0.004%; no homozygotes.

Submissions (2):

GeneDx
Classification: Uncertain significance. Last evaluated: 2026-03-18. Review status: criteria provided, single submitter. Criteria: GeneDx Variant Classification Process June 2021. Collection method: clinical testing. Allele origin: germline.
Comment: Not observed at significant frequency in large population cohorts (gnomAD); In silico analysis suggests that this missense variant does not alter protein structure/function; Has not been previously published as pathogenic or benign to our knowledge

Labcorp Genetics (formerly Invitae), Labcorp
Classification: Uncertain significance for Developmental and epileptic encephalopathy, 42; Episodic ataxia type 2. Last evaluated: 2025-05-11. Review status: criteria provided, single submitter. Criteria: Invitae Variant Classification Sherloc (09022015). Collection method: clinical testing. Allele origin: germline.
Comment: This sequence change replaces proline, which is neutral and non-polar, with histidine, which is basic and polar, at codon 1111 of the CACNA1A protein (p.Pro1111His). This variant is not present in population databases (gnomAD no frequency). This variant has not been reported in the literature in individuals affected with CACNA1A-related conditions. ClinVar contains an entry for this variant (Variation ID: 2927796). Invitae Evidence Modeling of protein sequence and biophysical properties (such as structural, functional, and spatial information, amino acid conservation, physicochemical variation, residue mobility, and thermodynamic stability) indicates that this missense variant is not expected to disrupt CACNA1A protein function with a negative predictive value of 95%. In summary, the available evidence is currently insufficient to determine the role of this variant in disease. Therefore, it has been classified as a Variant of Uncertain Significance.